The following is an entry in ClinVar:

ClinVar aggregate classification (germline): Uncertain significance (1 of 4 stars; one submission).

Submission:

GeneDx
Classification: Uncertain significance. Last evaluated: 2025-03-24. Review status: criteria provided, single submitter. Criteria: GeneDx Variant Classification Process June 2021. Collection method: clinical testing. Allele origin: germline. Affected: yes.
Comment: Not observed at significant frequency in large population cohorts (gnomAD); Frameshift variant predicted to result in abnormal protein length as the last 5 amino acids are replaced with 38 different amino acids; Has not been previously published as pathogenic or benign to our knowledge

NM_147127.5(EVC2):c.3910del (p.Ala1304fs)

Gene: EVC2 (EvC ciliary complex subunit 2; minus strand). Cytogenetic location: 4p16.2.
Variant type: Deletion.
Coding change: c.3910del on transcript NM_147127.5 (MANE Select); coding-DNA position 3910, one base deleted (G; older notation c.3910delG).
Protein change: p.Ala1304fs; shifts the reading frame from alanine 1304.
Molecular consequence: frameshift variant.
Genome position (GRCh38, 1-based): chr4:5,562,865, C deleted on the plus strand (G on the coding strand, the reverse complement: EVC2 is on the minus strand); the first of 3 consecutive C bases (chr4:5,562,865-5,562,867); deleting any one gives the same sequence. VCF-style (leftmost placement, unchanged base first): chr4-5562864-GC-G. GRCh37 (hg19) VCF-style: chr4-5564591-GC-G.
Other names: c.3670del, p.Ala1224fs (NM_001166136.2); short protein forms A1304fs, A1224fs.
Identifiers: ClinVar variation 4088251 (VCV004088251.1).